The following is an entry in ClinVar:

NM_018112.3(TMEM38B):c.689C>G (p.Thr230Ser)

Gene: TMEM38B (transmembrane protein 38B; plus strand). Cytogenetic location: 9q31.2.
Variant type: single nucleotide variant.
Coding change: c.689C>G on transcript NM_018112.3 (MANE Select); coding-DNA position 689, C replaced by G.
Protein change: p.Thr230Ser; replaces threonine 230 with serine.
Molecular consequence: missense variant.
Genome position (GRCh38, 1-based): chr9:105,773,893, C>G. VCF-style: chr9-105773893-C-G. GRCh37 (hg19) VCF-style: chr9-108536174-C-G.
Other names: short protein forms T230S.
Identifiers: ClinVar variation 1932965 (VCV001932965.5), dbSNP rs370443289, ClinGen allele CA5170990.

ClinVar aggregate classification (germline): Uncertain significance (1 of 4 stars; one submission).

Allele frequency attached by ClinVar (database versions not stated): ExAC 0.00001; TOPMed 0.00001; ESP Exome Variant Server 0.00008.
gnomAD v4.1: 1 of 1,613,642 alleles (0.000062%); highest among the groups gnomAD compares: Non-Finnish European, 0.000085%; no homozygotes.

Submission:

Labcorp Genetics (formerly Invitae), Labcorp
Classification: Uncertain significance. Last evaluated: 2025-09-20. Review status: criteria provided, single submitter. Criteria: Invitae Variant Classification Sherloc (09022015). Collection method: clinical testing. Allele origin: germline.
Comment: This sequence change replaces threonine, which is neutral and polar, with serine, which is neutral and polar, at codon 230 of the TMEM38B protein (p.Thr230Ser). This variant is present in population databases (rs370443289, gnomAD 0.0009%). This variant has not been reported in the literature in individuals affected with TMEM38B-related conditions. ClinVar contains an entry for this variant (Variation ID: 1932965). An algorithm developed to predict the effect of missense changes on protein structure and function outputs the following: PolyPhen-2: "Benign". The serine amino acid residue is found in multiple mammalian species, which suggests that this missense change does not adversely affect protein function. In summary, the available evidence is currently insufficient to determine the role of this variant in disease. Therefore, it has been classified as a Variant of Uncertain Significance.